The following is an entry in ClinVar:

NM_000391.4(TPP1):c.687+20C>T

Gene: TPP1 (tripeptidyl peptidase 1; minus strand). Cytogenetic location: 11p15.4.
Variant type: single nucleotide variant.
Coding change: c.687+20C>T on transcript NM_000391.4 (MANE Select); 20 bases into the intron after coding-DNA position 687, C replaced by T.
Molecular consequence: intron variant.
Genome position (GRCh38, 1-based): chr11:6,616,955, G>A on the plus strand (C>T on the coding strand, the complement: TPP1 is on the minus strand). VCF-style: chr11-6616955-G-A. GRCh37 (hg19) VCF-style: chr11-6638186-G-A.
Identifiers: ClinVar variation 282108 (VCV000282108.15), dbSNP rs569432039, ClinGen allele CA5858877.

ClinVar aggregate classification (germline): Conflicting classifications of pathogenicity. Review status: criteria provided, conflicting classifications (1 of 4 stars). 4 submissions from 4 submitters: Uncertain significance (1); Benign (1); Likely benign (2). Last evaluated 2026-01-13.

Allele frequency attached by ClinVar (database versions not stated): gnomAD below 0.00001 and 0.00008; TOPMed 0.00002; gnomAD exomes 0.00007 and 0.00016; ExAC 0.00015; 1000 Genomes Project 0.00060; 1000 Genomes Project 30x 0.00078.
gnomAD v4.1: 119 of 1,614,098 alleles (0.0074%); highest among the groups gnomAD compares: South Asian, 0.12%; 1 homozygote.

Submissions (4):

Labcorp Genetics (formerly Invitae), Labcorp
Classification: Benign. Last evaluated: 2026-01-13. Review status: criteria provided, single submitter. Criteria: Invitae Variant Classification Sherloc (09022015). Collection method: clinical testing. Allele origin: germline.

Blueprint Genetics
Classification: Likely benign. Last evaluated: 2023-10-09. Review status: criteria provided, single submitter. Criteria: ACMG Guidelines, 2015. Collection method: clinical testing. Allele origin: germline.

GeneDx
Classification: Likely benign. Last evaluated: 2018-06-04. Review status: criteria provided, single submitter. Criteria: GeneDx Variant Classification (06012015). Collection method: clinical testing. Allele origin: germline. Affected: yes.
Comment: This variant is considered likely benign or benign based on one or more of the following criteria: it is a conservative change, it occurs at a poorly conserved position in the protein, it is predicted to be benign by multiple in silico algorithms, and/or has population frequency not consistent with disease.

Eurofins Ntd Llc (ga)
Classification: Uncertain significance. Last evaluated: 2015-07-17. Review status: criteria provided, single submitter. Criteria: EGL Classification Definitions 2015. Collection method: clinical testing. Allele origin: germline. Observed: 1 variant allele, 1 heterozygote.